The following is an entry in ClinVar:

ClinVar aggregate classification (germline): Uncertain significance (1 of 4 stars; one submission).

Conditions:
Inborn genetic diseases. Identifiers: MedGen C0950123, MeSH D030342.

gnomAD v4.1: 1 of 1,614,066 alleles (0.000062%); highest among the groups gnomAD compares: African/African-American, 0.0013%; no homozygotes.

Submission:

Ambry Genetics
Classification: Uncertain significance for Inborn genetic diseases. Last evaluated: 2024-12-20. Review status: criteria provided, single submitter. Criteria: Ambry Variant Classification Scheme 2023. Collection method: clinical testing. Allele origin: germline.
Comment: The p.E380G variant (also known as c.1139A>G), located in coding exon 13 of the FANCA gene, results from an A to G substitution at nucleotide position 1139. The glutamic acid at codon 380 is replaced by glycine, an amino acid with similar properties. This amino acid position is conserved. In addition, the in silico prediction for this alteration is inconclusive. Based on the available evidence, the clinical significance of this variant remains unclear.

NM_000135.4(FANCA):c.1139A>G (p.Glu380Gly)

Gene: FANCA (FA complementation group A; minus strand). Cytogenetic location: 16q24.3.
Variant type: single nucleotide variant.
Coding change: c.1139A>G on transcript NM_000135.4 (MANE Select); coding-DNA position 1139, A replaced by G.
Protein change: p.Glu380Gly; replaces glutamic acid 380 with glycine.
Molecular consequence: missense variant.
Genome position (GRCh38, 1-based): chr16:89,792,013, T>C on the plus strand (A>G on the coding strand, the complement: FANCA is on the minus strand). VCF-style: chr16-89792013-T-C. GRCh37 (hg19) VCF-style: chr16-89858421-T-C.
Other names: c.1139A>G, p.Glu380Gly (NM_001286167.3); short protein forms E380G.
Identifiers: ClinVar variation 3848037 (VCV003848037.1).
Genomic context (GRCh38, chr16:89,792,013, plus strand): 5'-AAGCAGACAACCAGGGCAGACACAAAGGAGAGCACTCTCTGCCAGTGAACCTCCTGCGTT[T>C]CCAGAACTTCTTGCAAATGGCCAACCAACTCCTCTGCACTCAGCATCACAAAGAGCTGAA-3'
Protein context (NP_000126.2, residues 370-390): ELVGHLQEVL[Glu380Gly]TQEVHWQRVL